The following is an entry in ClinVar:

NM_006796.3(AFG3L2):c.400-10C>T

Gene: AFG3L2 (AFG3 like matrix AAA peptidase subunit 2; minus strand). Cytogenetic location: 18p11.21.
Variant type: single nucleotide variant.
Coding change: c.400-10C>T on transcript NM_006796.3 (MANE Select); 10 bases into the intron before coding-DNA position 400, C replaced by T.
Molecular consequence: intron variant.
Genome position (GRCh38, 1-based): chr18:12,367,127, G>A on the plus strand (C>T on the coding strand, the complement: AFG3L2 is on the minus strand). VCF-style: chr18-12367127-G-A. GRCh37 (hg19) VCF-style: chr18-12367126-G-A.
Identifiers: ClinVar variation 516083 (VCV000516083.1), dbSNP rs771454711, ClinGen allele CA8896739.

ClinVar aggregate classification (germline): Likely benign (1 of 4 stars; one submission).

Allele frequency attached by ClinVar (database versions not stated): gnomAD exomes below 0.00001 and 0.00002; ExAC 0.00001; gnomAD 0.00002; TOPMed 0.00002.
gnomAD v4.1: 12 of 1,614,064 alleles (0.00074%); highest among the groups gnomAD compares: Non-Finnish European, 0.001%; no homozygotes.

Submission:

GeneDx
Classification: Likely benign. Last evaluated: 2017-11-29. Review status: criteria provided, single submitter. Criteria: GeneDx Variant Classification (06012015). Collection method: clinical testing. Allele origin: germline. Affected: yes.
Comment: This variant is considered likely benign or benign based on one or more of the following criteria: it is a conservative change, it occurs at a poorly conserved position in the protein, it is predicted to be benign by multiple in silico algorithms, and/or has population frequency not consistent with disease.